The following is an entry in ClinVar:

NM_020754.4(ARHGAP31):c.3166_3167del (p.Gln1056fs)

Gene: ARHGAP31 (Rho GTPase activating protein 31; plus strand). Cytogenetic location: 3q13.33.
Variant type: Microsatellite.
Coding change: c.3166_3167del on transcript NM_020754.4 (MANE Select); coding-DNA positions 3166 to 3167, 2 bases deleted (CA; older notation c.3166_3167delCA).
Protein change: p.Gln1056fs; shifts the reading frame from glutamine 1056.
Molecular consequence: frameshift variant.
Genome position (GRCh38, 1-based): chr3:119,415,095-119,415,096, CA deleted; deleting any 2 consecutive bases within chr3:119,415,093-119,415,096 gives the same sequence; the c. name uses the placement nearest the transcript's 3' end. VCF-style (leftmost placement, unchanged base first): chr3-119415092-CCA-C. GRCh37 (hg19) VCF-style: chr3-119133939-CCA-C.
Other names: short protein forms Q1056fs.
Identifiers: ClinVar variation 4538657 (VCV004538657.1).
Genomic context (GRCh38, chr3:119,415,092, plus strand): 5'-ACCAGCCCCATCAGCCTAGCAGAGGGAAAGGAGCTAGGGACACACCTGGGGCACAGCAGT[CCA>C]CAGATTAGGCAAGGTGGTGTTCCTGGGCCAGAGAGCAGCAAGGAGAGTTCACCCAGCGTG-3'

ClinVar aggregate classification (germline): Uncertain significance (1 of 4 stars; one submission).

Submission:

GeneDx
Classification: Uncertain significance. Last evaluated: 2025-06-14. Review status: criteria provided, single submitter. Criteria: GeneDx Variant Classification Process June 2021. Collection method: clinical testing. Allele origin: germline. Affected: yes.
Comment: Not observed at significant frequency in large population cohorts (gnomAD); Frameshift variant predicted to result in abnormal protein length as the last 389 amino acid(s) are replaced with 1 different amino acid(s); Has not been previously published as pathogenic or benign to our knowledge